The following is an entry in ClinVar:

NM_001189.4(NKX3-2):c.295G>A (p.Glu99Lys)

Gene: NKX3-2 (NK3 homeobox 2; minus strand). Cytogenetic location: 4p15.33.
Variant type: single nucleotide variant.
Coding change: c.295G>A on transcript NM_001189.4 (MANE Select); coding-DNA position 295, G replaced by A.
Protein change: p.Glu99Lys; replaces glutamic acid 99 with lysine.
Molecular consequence: missense variant.
Genome position (GRCh38, 1-based): chr4:13,544,120, C>T on the plus strand (G>A on the coding strand, the complement: NKX3-2 is on the minus strand). VCF-style: chr4-13544120-C-T. GRCh37 (hg19) VCF-style: chr4-13545744-C-T.
Other names: short protein forms E99K.
Identifiers: ClinVar variation 1031215 (VCV001031215.1), dbSNP rs1718061894, ClinGen allele CA356377655.

ClinVar aggregate classification (germline): Uncertain significance (1 of 4 stars; one submission).

Conditions:
Spondylo-megaepiphyseal-metaphyseal dysplasia (SMMD). Identifiers: Orphanet 228387, MedGen C2750066, MONDO:0013228, OMIM 613330.

gnomAD v4.1: 2 of 1,602,362 alleles (0.00012%); highest among the groups gnomAD compares: Non-Finnish European, 0.00017%; no homozygotes.

Submission:

Baylor Genetics
Classification: Uncertain significance for Spondylo-megaepiphyseal-metaphyseal dysplasia. Last evaluated: 2020-06-08. Review status: criteria provided, single submitter. Criteria: ACMG Guidelines, 2015. Collection method: clinical testing. Allele origin: unknown. Affected: yes.
Comment: This variant was determined to be of uncertain significance according to ACMG Guidelines, 2015 [PMID:25741868].